The following is an entry in ClinVar:

ClinVar aggregate classification (germline): Likely benign (0 of 4 stars; one submission).

Conditions:
TET1-related disorder. Also called: TET1-related condition.

Allele frequency attached by ClinVar (database versions not stated): ExAC 0.00037; ESP Exome Variant Server 0.00062.
gnomAD v4.1: 928 of 1,613,962 alleles (0.057%); highest among the groups gnomAD compares: Non-Finnish European, 0.076%; 2 homozygotes.

Submission:

PreventionGenetics, part of Exact Sciences
Classification: Likely benign for TET1-related condition. Last evaluated: 2019-07-18. Review status: no assertion criteria provided. Collection method: clinical testing. Allele origin: germline.
Comment: This variant is classified as likely benign based on ACMG/AMP sequence variant interpretation guidelines (Richards et al. 2015 PMID: 25741868, with internal and published modifications).

NM_030625.3(TET1):c.4215C>T (p.Asn1405=)

Gene: TET1 (tet methylcytosine dioxygenase 1; plus strand). Cytogenetic location: 10q21.3.
Variant type: single nucleotide variant.
Coding change: c.4215C>T on transcript NM_030625.3 (MANE Select); coding-DNA position 4215, C replaced by T.
Protein change: p.Asn1405=; no amino-acid change (asparagine 1405 retained).
Molecular consequence: synonymous variant. On other transcripts: intron variant (4).
Genome position (GRCh38, 1-based): chr10:68,646,944, C>T. VCF-style: chr10-68646944-C-T. GRCh37 (hg19) VCF-style: chr10-70406701-C-T.
Other names: c.4215C>T, p.Asn1405= (NM_001406365.1); c.2304C>T, p.Asn768= (NM_001406367.1); c.2202C>T, p.Asn734= (NM_001406368.1, NM_001406369.1, NM_001406370.1 and 2 more transcripts); c.1969-20101C>T (NM_001406373.1, NM_001406374.1); c.-80-4902C>T (NM_001406375.1, NM_001406376.1).
Identifiers: ClinVar variation 3050832 (VCV003050832.2), dbSNP rs148470211, ClinGen allele CA5526581.